The following is an entry in ClinVar:

NM_000548.5(TSC2):c.4775T>A (p.Val1592Glu)

Gene: TSC2 (TSC complex subunit 2; plus strand). Cytogenetic location: 16p13.3.
Variant type: single nucleotide variant.
Coding change: c.4775T>A on transcript NM_000548.5 (MANE Select); coding-DNA position 4775, T replaced by A.
Protein change: p.Val1592Glu; replaces valine 1592 with glutamic acid.
Molecular consequence: missense variant.
Genome position (GRCh38, 1-based): chr16:2,086,305, T>A. VCF-style: chr16-2086305-T-A. GRCh37 (hg19) VCF-style: chr16-2136306-T-A.
Other names: c.4574T>A, p.Val1525Glu (NM_001077183.3); c.4706T>A, p.Val1569Glu (NM_001114382.3); c.4466T>A, p.Val1489Glu (NM_001318827.2); c.4430T>A, p.Val1477Glu (NM_001318829.2); c.4043T>A, p.Val1348Glu (NM_001318831.2); c.4607T>A, p.Val1536Glu (NM_001318832.2); c.4577T>A, p.Val1526Glu (NM_001363528.2); c.4643T>A, p.Val1548Glu (NM_001370404.1); and 1 more; short protein forms V1348E, V1477E, V1489E, V1525E, V1526E, V1536E, V1548E, V1549E.
Identifiers: ClinVar variation 1692506 (VCV001692506.2), dbSNP rs2151573942, ClinGen allele CA394307918.
Genomic context (GRCh38, chr16:2,086,305, plus strand): 5'-CGGAGTTCCTGACGGGCCTGGGCCGGCTCATCGAGCTGAAGGACTGCCAGCCGGACAAGG[T>A]GTACCTGGGAGGCCTGGACGTGTGTGGTGAGGACGGCCAGTTCACCTACTGCTGGCACGA-3'
Protein context (NP_000539.2, residues 1582-1602): IELKDCQPDK[Val1592Glu]YLGGLDVCGE

ClinVar aggregate classification (germline): Uncertain significance. Review status: criteria provided, multiple submitters, no conflicts (2 of 4 stars). 2 submissions from 2 submitters: Uncertain significance (2). Last evaluated 2024-11-21.

Conditions:
Hereditary cancer-predisposing syndrome. Also called: Hereditary Cancer Syndrome; Hereditary neoplastic syndrome; Neoplastic Syndromes, Hereditary; Tumor predisposition. Identifiers: Orphanet 140162, MedGen C0027672, MeSH D009386, MONDO:0015356.

Submissions (2):

Ambry Genetics
Classification: Uncertain significance for Hereditary cancer-predisposing syndrome. Last evaluated: 2024-11-21. Review status: criteria provided, single submitter. Criteria: Ambry Variant Classification Scheme 2023. Collection method: clinical testing. Allele origin: germline.
Comment: The p.V1592E variant (also known as c.4775T>A), located in coding exon 36 of the TSC2 gene, results from a T to A substitution at nucleotide position 4775. The valine at codon 1592 is replaced by glutamic acid, an amino acid with dissimilar properties. This amino acid position is conserved. In addition, this alteration is predicted to be deleterious by in silico analysis. Based on the available evidence, the clinical significance of this variant remains unclear.

Sema4
Classification: Uncertain significance for Hereditary cancer-predisposing syndrome. Last evaluated: 2022-01-31. Review status: criteria provided, single submitter. Criteria: Sema4 Curation Guidelines. Collection method: curation. Allele origin: germline.
Comment: The TSC2 c.4775T>A (p.V1592E) variant has not been reported in the literature to our knowledge. It was not observed in the large and broad cohorts of the Genome Aggregation Database (PMID: 32461654). This variant has not been reported in ClinVar. In silico tools suggest the impact of the variant on protein function is deleterious, though these predictions have not been confirmed by functional studies. The evidence is insufficient to meet ACMG/AMP criteria for classifying the variant as benign or pathogenic. Thus, the clinical significance of this variant is currently uncertain.